The following is an entry in ClinVar:

ClinVar aggregate classification (germline): Benign. Review status: criteria provided, multiple submitters, no conflicts (2 of 4 stars). 2 submissions from 2 submitters: Benign (2). Last evaluated 2018-01-13.

Conditions:
Landau-Kleffner syndrome (FESD). Also called: EPILEPSY, FOCAL, WITH SPEECH DISORDER AND WITH OR WITHOUT MENTAL RETARDATION; APHASIA, ACQUIRED, WITH EPILEPSY. Identifiers: Orphanet 1945, Orphanet 725, Orphanet 98818, MedGen C0282512, MONDO:0009509, OMIM 245570.

Allele frequency attached by ClinVar (database versions not stated): 1000 Genomes Project 0.75060; 1000 Genomes Project 30x 0.75734; gnomAD exomes 0.81714; TOPMed 0.80541; gnomAD 0.80853 and 0.80559.
gnomAD v4.1: 173,369 of 214,156 alleles (81%); highest among the groups gnomAD compares: Middle Eastern, 89%; 70,738 homozygotes.

Submissions (2):

Illumina Laboratory Services, Illumina
Classification: Benign for Landau-Kleffner syndrome. Last evaluated: 2018-01-13. Review status: criteria provided, single submitter. Criteria: ICSL Variant Classification Criteria 13 December 2019. Collection method: clinical testing. Allele origin: germline.
Comment: This variant was observed in the ICSL laboratory as part of a predisposition screen in an ostensibly healthy population. It had not been previously curated by ICSL or reported in the Human Gene Mutation Database (HGMD: prior to June 1st, 2018), and was therefore a candidate for classification through an automated scoring system. Utilizing variant allele frequency, disease prevalence and penetrance estimates, and inheritance mode, an automated score was calculated to assess if this variant is too frequent to cause the disease. Based on the score and internal cut-off values, a variant classified as benign is not then subjected to further curation. The score for this variant resulted in a classification of benign for this disease.

Breakthrough Genomics
Classification: Benign. Review status: criteria provided, single submitter. Criteria: ACMG Guidelines, 2015. Collection method: not provided. Allele origin: germline. Inheritance: Autosomal dominant inheritance. Affected: yes.

NM_001134407.3(GRIN2A):c.*8535A>C

Gene: GRIN2A (glutamate ionotropic receptor NMDA type subunit 2A; minus strand). Cytogenetic location: 16p13.2.
Variant type: single nucleotide variant.
Coding change: c.*8535A>C on transcript NM_001134407.3 (MANE Select); 8535 bases downstream of the stop codon, A replaced by C.
Molecular consequence: 3 prime UTR variant.
Genome position (GRCh38, 1-based): chr16:9,754,614, T>G on the plus strand (A>C on the coding strand, the complement: GRIN2A is on the minus strand). VCF-style: chr16-9754614-T-G. GRCh37 (hg19) VCF-style: chr16-9848471-T-G.
Other names: c.*8535A>C (NM_000833.5); c.*8741A>C (NM_001134408.2).
Identifiers: ClinVar variation 321471 (VCV000321471.6), dbSNP rs767749, ClinGen allele CA10644704.
Genomic context (GRCh38, chr16:9,754,614, plus strand): 5'-GCCTGAATCTTTTGTTTTTAAACTGAAACATTTACGTAAGTGGTCATGGCCCCAGAGCTT[T>G]TCTACAAACTTAATAAACTAAAGATTTAAAAAAATTTAAAAAAGATTTTAAAAGTCAATA-3'